The following is an entry in ClinVar:

NM_182961.4(SYNE1):c.22726C>T (p.Arg7576Cys)

Gene: SYNE1 (spectrin repeat containing nuclear envelope protein 1; minus strand). Cytogenetic location: 6q25.2.
Variant type: single nucleotide variant.
Coding change: c.22726C>T on transcript NM_182961.4 (MANE Select); coding-DNA position 22726, C replaced by T.
Protein change: p.Arg7576Cys; replaces arginine 7576 with cysteine.
Molecular consequence: missense variant.
Genome position (GRCh38, 1-based): chr6:152,208,070, G>A on the plus strand (C>T on the coding strand, the complement: SYNE1 is on the minus strand). VCF-style: chr6-152208070-G-A. GRCh37 (hg19) VCF-style: chr6-152529205-G-A.
Other names: c.22513C>T, p.Arg7505Cys (NM_033071.5); short protein forms R7576C, R7505C.
Identifiers: ClinVar variation 2201298 (VCV002201298.4), dbSNP rs369246136, ClinGen allele CA150173014.
Genomic context (GRCh38, chr6:152,208,070, plus strand): 5'-GTATAGGAACACTTCCGAGACCACTCATGGGGAGGTAGGACACTTCAACCAACCATTTAC[G>A]AAGCTTTTCTGCCATCTCCCTATAGCGCTGCCACTGGCGAATCTGGCTGTCAATGATCCC-3'
Protein context (NP_892006.3, residues 7566-7586): QRYREMAEKL[Arg7576Cys]KWLVEVSYLP

ClinVar aggregate classification (germline): Uncertain significance (1 of 4 stars; one submission).

Conditions:
Emery-Dreifuss muscular dystrophy 4, autosomal dominant (EDMD4). Also called: EMERY-DREIFUSS MUSCULAR DYSTROPHY 4 WITH VARIABLE FEATURES. Identifiers: Orphanet 261, MedGen C2751807, MONDO:0013071, OMIM 612998.
Autosomal recessive ataxia, Beauce type. Also called: Spinocerebellar ataxia, autosomal recessive 8; ATAXIA, RECESSIVE, OF BEAUCE; SYNE1-Related Autosomal Recessive Cerebellar Ataxia; SYNE1 Deficiency. Identifiers: Orphanet 88644, MedGen C1853116, MONDO:0012549, OMIM 610743.

Allele frequency attached by ClinVar (database versions not stated): TOPMed 0.00001; gnomAD 0.00002; ESP Exome Variant Server 0.00008.
gnomAD v4.1: 16 of 1,613,920 alleles (0.00099%); highest among the groups gnomAD compares: South Asian, 0.0033%; no homozygotes.

Submission:

Labcorp Genetics (formerly Invitae), Labcorp
Classification: Uncertain significance for Emery-Dreifuss muscular dystrophy 4, autosomal dominant; Autosomal recessive ataxia, Beauce type. Last evaluated: 2022-07-18. Review status: criteria provided, single submitter. Criteria: Invitae Variant Classification Sherloc (09022015). Collection method: clinical testing. Allele origin: germline.
Comment: Algorithms developed to predict the effect of missense changes on protein structure and function (SIFT, PolyPhen-2, Align-GVGD) all suggest that this variant is likely to be disruptive. In summary, the available evidence is currently insufficient to determine the role of this variant in disease. Therefore, it has been classified as a Variant of Uncertain Significance. This sequence change replaces arginine, which is basic and polar, with cysteine, which is neutral and slightly polar, at codon 7505 of the SYNE1 protein (p.Arg7505Cys). This variant is present in population databases (rs369246136, gnomAD 0.01%). This variant has not been reported in the literature in individuals affected with SYNE1-related conditions.